The following is an entry in ClinVar:

NM_004036.5(ADCY3):c.1270G>A (p.Val424Ile)

Gene: ADCY3 (adenylate cyclase 3; minus strand). Cytogenetic location: 2p23.3.
Variant type: single nucleotide variant.
Coding change: c.1270G>A on transcript NM_004036.5 (MANE Select); coding-DNA position 1270, G replaced by A.
Protein change: p.Val424Ile; replaces valine 424 with isoleucine.
Molecular consequence: missense variant.
Genome position (GRCh38, 1-based): chr2:24,839,958, C>T on the plus strand (G>A on the coding strand, the complement: ADCY3 is on the minus strand). VCF-style: chr2-24839958-C-T. GRCh37 (hg19) VCF-style: chr2-25062827-C-T.
Other names: c.1270G>A, p.Val424Ile (NM_001320613.2, NM_001377128.1, NM_001377129.1 and 2 more transcripts); c.547G>A, p.Val183Ile (NM_001377131.1); short protein forms V183I, V424I.
Identifiers: ClinVar variation 2636046 (VCV002636046.1), dbSNP rs1377707234, ClinGen allele CA346063170.
Genomic context (GRCh38, chr2:24,839,958, plus strand): 5'-TGTTGGCTACAGTGACATCAGTCGACCACACGTCGTACTGCCAGCGCTTCTGGCCCAGGA[C>T]GCCCCCCAGCACGGTGCCCGTGTGCACCCCCACACGCATGTCCACCCCAGTCTTGGTCTT-3'
Protein context (NP_004027.2, residues 414-434): GVHTGTVLGG[Val424Ile]LGQKRWQYDV

ClinVar aggregate classification (germline): Uncertain significance (1 of 4 stars; one submission).

Conditions:
ADCY3-related disorder. Also called: ADCY3-related condition.

Allele frequency attached by ClinVar (database versions not stated): gnomAD exomes 0.00001.
gnomAD v4.1: 21 of 1,613,878 alleles (0.0013%); highest among the groups gnomAD compares: Non-Finnish European, 0.0017%; no homozygotes.

Submission:

PreventionGenetics, part of Exact Sciences
Classification: Uncertain significance for ADCY3-related condition. Last evaluated: 2023-04-28. Review status: criteria provided, single submitter. Criteria: ACMG Guidelines, 2015. Collection method: clinical testing. Allele origin: germline.
Comment: The ADCY3 c.1270G>A variant is predicted to result in the amino acid substitution p.Val424Ile. To our knowledge, this variant has not been reported in the literature. This variant is reported in 0.00088% of alleles in individuals of European (Non-Finnish) descent in gnomAD. At this time, the clinical significance of this variant is uncertain due to the absence of conclusive functional and genetic evidence.